The following is an entry in ClinVar:

NM_000179.3(MSH6):c.1874C>G (p.Ser625Cys)

Gene: MSH6 (mutS homolog 6; plus strand). Cytogenetic location: 2p16.3.
Variant type: single nucleotide variant.
Coding change: c.1874C>G on transcript NM_000179.3 (MANE Select); coding-DNA position 1874, C replaced by G.
Protein change: p.Ser625Cys; replaces serine 625 with cysteine.
Molecular consequence: missense variant.
Genome position (GRCh38, 1-based): chr2:47,799,857, C>G. VCF-style: chr2-47799857-C-G. GRCh37 (hg19) VCF-style: chr2-48026996-C-G.
Other names: c.1484C>G, p.Ser495Cys (NM_001281492.2); c.968C>G, p.Ser323Cys (NM_001281493.2, NM_001281494.2); short protein forms S625C, S323C, S495C.
Identifiers: ClinVar variation 1355947 (VCV001355947.8), dbSNP rs773927995, ClinGen allele CA346749916.

ClinVar aggregate classification (germline): Uncertain significance (1 of 4 stars; one submission).

Conditions:
Hereditary nonpolyposis colorectal neoplasms. Identifiers: MedGen C0009405, MeSH D003123.

Submission:

Labcorp Genetics (formerly Invitae), Labcorp
Classification: Uncertain significance for Hereditary nonpolyposis colorectal neoplasms. Last evaluated: 2021-08-27. Review status: criteria provided, single submitter. Criteria: Invitae Variant Classification Sherloc (09022015). Collection method: clinical testing. Allele origin: germline.
Comment: This variant has not been reported in the literature in individuals with MSH6-related conditions. This variant is not present in population databases (ExAC no frequency). This sequence change replaces serine with cysteine at codon 625 of the MSH6 protein (p.Ser625Cys). The serine residue is highly conserved and there is a moderate physicochemical difference between serine and cysteine. Advanced modeling of protein sequence and biophysical properties (such as structural, functional, and spatial information, amino acid conservation, physicochemical variation, residue mobility, and thermodynamic stability) performed at Invitae indicates that this missense variant is not expected to disrupt MSH6 protein function. In summary, the available evidence is currently insufficient to determine the role of this variant in disease. Therefore, it has been classified as a Variant of Uncertain Significance.